The following is an entry in ClinVar:

NM_001184880.2(PCDH19):c.3361G>C (p.Val1121Leu)

Gene: PCDH19 (protocadherin 19; minus strand). Cytogenetic location: Xq22.1.
Variant type: single nucleotide variant.
Coding change: c.3361G>C on transcript NM_001184880.2 (MANE Select); coding-DNA position 3361, G replaced by C.
Protein change: p.Val1121Leu; replaces valine 1121 with leucine.
Molecular consequence: missense variant.
Genome position (GRCh38, 1-based): chrX:100,296,363, C>G on the plus strand (G>C on the coding strand, the complement: PCDH19 is on the minus strand). VCF-style: chrX-100296363-C-G. GRCh37 (hg19) VCF-style: chrX-99551361-C-G.
Other names: c.3220G>C, p.Val1074Leu (NM_001105243.2); c.3217G>C, p.Val1073Leu (NM_020766.3); short protein forms V1074L, V1073L, V1121L.
Identifiers: ClinVar variation 847099 (VCV000847099.1), dbSNP rs1924601817, ClinGen allele CA413999490.

ClinVar aggregate classification (germline): Uncertain significance (1 of 4 stars; one submission).

Conditions:
Developmental and epileptic encephalopathy, 9 (DEE9). Also called: Early infantile epileptic encephalopathy 9; PCDH19-Related X-Linked Female-Limited Epilepsy with Mental Retardation; JUBERG-HELLMAN SYNDROME; EPILEPSY, FEMALE-RESTRICTED, WITH MENTAL RETARDATION. Identifiers: Orphanet 101039, Orphanet 2076, MedGen C1848137, MONDO:0010246, OMIM 300088. Disease mechanism: loss of function.

Submission:

Labcorp Genetics (formerly Invitae), Labcorp
Classification: Uncertain significance for Early infantile epileptic encephalopathy 9. Last evaluated: 2019-02-08. Review status: criteria provided, single submitter. Criteria: Invitae Variant Classification Sherloc (09022015). Collection method: clinical testing. Allele origin: germline.
Comment: This sequence change replaces valine with leucine at codon 1121 of the PCDH19 protein (p.Val1121Leu). The valine residue is moderately conserved and there is a small physicochemical difference between valine and leucine. This variant is not present in population databases (ExAC no frequency). This variant has not been reported in the literature in individuals with PCDH19-related conditions. Algorithms developed to predict the effect of missense changes on protein structure and function (SIFT, PolyPhen-2, Align-GVGD) all suggest that this variant is likely to be tolerated, but these predictions have not been confirmed by published functional studies and their clinical significance is uncertain. In summary, the available evidence is currently insufficient to determine the role of this variant in disease. Therefore, it has been classified as a Variant of Uncertain Significance.